The following is an entry in ClinVar:

NM_207034.3(EDN3):c.689G>A (p.Arg230His)

Gene: EDN3 (endothelin 3; plus strand). Cytogenetic location: 20q13.32.
Variant type: single nucleotide variant.
Coding change: c.689G>A on transcript NM_207034.3 (MANE Select); coding-DNA position 689, G replaced by A.
Protein change: p.Arg230His; replaces arginine 230 with histidine.
Molecular consequence: missense variant. On other transcripts: 3 prime UTR variant (3).
Genome position (GRCh38, 1-based): chr20:59,324,431, G>A. VCF-style: chr20-59324431-G-A. GRCh37 (hg19) VCF-style: chr20-57899486-G-A.
Other names: c.*96G>A (NM_001302455.2); c.*64G>A (NM_001302456.2, NM_207032.3); c.647G>A, p.Arg216His (NM_207033.3); short protein forms R230H, R216H.
Identifiers: ClinVar variation 339127 (VCV000339127.15), dbSNP rs144250756, ClinGen allele CA9930475.
Genomic context (GRCh38, chr20:59,324,431, plus strand): 5'-TCCACCATCCAAAGCTCATGCCCGGCAGTGGACTCGCCCTCGCTCCATCTACCTGCCCCC[G>A]CTGCCTCTTTCAGGAAGGAGCCCCTTAGGAGGACAGGCCTGCAGCATCCTGGTCTCGGGA-3'
Protein context (NP_996917.1, residues 220-238): GLALAPSTCP[Arg230His]CLFQEGAP

ClinVar aggregate classification (germline): Uncertain significance. Review status: criteria provided, multiple submitters, no conflicts (2 of 4 stars). 4 submissions from 4 submitters: Uncertain significance (4). Last evaluated 2025-08-01.

Conditions:
Hirschsprung disease, susceptibility to, 4. Identifiers: Orphanet 388, MedGen C3150975, MONDO:0013384, OMIM 613712.
Inborn genetic diseases. Identifiers: MedGen C0950123, MeSH D030342.

Allele frequency attached by ClinVar (database versions not stated): TOPMed 0.00035; 1000 Genomes Project 30x 0.00047; ESP Exome Variant Server 0.00054; 1000 Genomes Project 0.00060.
gnomAD v4.1: 134 of 1,613,864 alleles (0.0083%); highest among the groups gnomAD compares: African/African-American, 0.08%; no homozygotes.

Submissions (4):

Ambry Genetics
Classification: Uncertain significance for Inborn genetic diseases. Last evaluated: 2025-08-01. Review status: criteria provided, single submitter. Criteria: Ambry Variant Classification Scheme 2023. Collection method: clinical testing. Allele origin: germline.

GeneDx
Classification: Uncertain significance. Last evaluated: 2023-01-31. Review status: criteria provided, single submitter. Criteria: GeneDx Variant Classification Process June 2021. Collection method: clinical testing. Allele origin: germline. Affected: yes.
Comment: In silico analysis, which includes protein predictors and evolutionary conservation, supports that this variant does not alter protein structure/function; Has not been previously published as pathogenic or benign to our knowledge

Labcorp Genetics (formerly Invitae), Labcorp
Classification: Uncertain significance. Last evaluated: 2022-07-26. Review status: criteria provided, single submitter. Criteria: Invitae Variant Classification Sherloc (09022015). Collection method: clinical testing. Allele origin: germline.
Comment: In summary, the available evidence is currently insufficient to determine the role of this variant in disease. Therefore, it has been classified as a Variant of Uncertain Significance. Algorithms developed to predict the effect of missense changes on protein structure and function output the following: SIFT: "Deleterious"; PolyPhen-2: "Benign"; Align-GVGD: "Class C0". The histidine amino acid residue is found in multiple mammalian species, which suggests that this missense change does not adversely affect protein function. ClinVar contains an entry for this variant (Variation ID: 339127). This variant has not been reported in the literature in individuals affected with EDN3-related conditions. This variant is present in population databases (rs144250756, gnomAD 0.09%). This sequence change replaces arginine, which is basic and polar, with histidine, which is basic and polar, at codon 230 of the EDN3 protein (p.Arg230His).

Illumina Laboratory Services, Illumina
Classification: Uncertain significance for Hirschsprung disease, susceptibility to, 4. Last evaluated: 2018-01-13. Review status: criteria provided, single submitter. Criteria: ICSL Variant Classification Criteria 13 December 2019. Collection method: clinical testing. Allele origin: germline.